The following is an entry in ClinVar:

ClinVar aggregate classification (germline): Benign. Review status: criteria provided, multiple submitters, no conflicts (2 of 4 stars). 2 submissions from 2 submitters: Benign (2). Last evaluated 2018-01-12.

Conditions:
Primary immunodeficiency with natural-killer cell deficiency and adrenal insufficiency (IMD54). Also called: Natural killer cell and glucocorticoid deficiency with DNA repair defect; IMMUNODEFICIENCY 54. Identifiers: Orphanet 75391, MedGen C1864947, MONDO:0012383, OMIM 609981.

Allele frequency attached by ClinVar (database versions not stated): 1000 Genomes Project 0.00639; 1000 Genomes Project 30x 0.00703; TOPMed 0.01098; gnomAD exomes 0.01596; gnomAD 0.01653 and 0.01714.
gnomAD v4.1: 7,319 of 454,704 alleles (1.6%); highest among the groups gnomAD compares: Non-Finnish European, 1.8%; 135 homozygotes.

Submissions (2):

Illumina Laboratory Services, Illumina
Classification: Benign for Primary immunodeficiency with natural-killer cell deficiency and adrenal insufficiency. Last evaluated: 2018-01-12. Review status: criteria provided, single submitter. Criteria: ICSL Variant Classification Criteria 13 December 2019. Collection method: clinical testing. Allele origin: germline.
Comment: This variant was observed in the ICSL laboratory as part of a predisposition screen in an ostensibly healthy population. It had not been previously curated by ICSL or reported in the Human Gene Mutation Database (HGMD: prior to June 1st, 2018), and was therefore a candidate for classification through an automated scoring system. Utilizing variant allele frequency, disease prevalence and penetrance estimates, and inheritance mode, an automated score was calculated to assess if this variant is too frequent to cause the disease. Based on the score and internal cut-off values, a variant classified as benign is not then subjected to further curation. The score for this variant resulted in a classification of benign for this disease.

Breakthrough Genomics
Classification: Benign. Review status: criteria provided, single submitter. Criteria: ACMG Guidelines, 2015. Collection method: not provided. Allele origin: germline. Inheritance: Autosomal recessive inheritance. Affected: yes.

NM_182746.3(MCM4):c.*197T>C

Gene: MCM4 (minichromosome maintenance complex component 4; plus strand). Cytogenetic location: 8q11.21.
Variant type: single nucleotide variant.
Coding change: c.*197T>C on transcript NM_182746.3 (MANE Select); 197 bases downstream of the stop codon, T replaced by C.
Molecular consequence: 3 prime UTR variant.
Genome position (GRCh38, 1-based): chr8:47,976,975, T>C. VCF-style: chr8-47976975-T-C. GRCh37 (hg19) VCF-style: chr8-48889535-T-C.
Other names: c.*197T>C (NM_005914.4).
Identifiers: ClinVar variation 909074 (VCV000909074.5), dbSNP rs17334542, ClinGen allele CA176160873.
Genomic context (GRCh38, chr8:47,976,975, plus strand): 5'-TTGGGTTCAATATTTGTAGTGAAGTATCTGTTTTCATTTTTTTCACGTTATAAATAAAAA[T>C]ACTATGCTGGCCGGGCGCGGTGGCTCACACCTGTAATCCCAGCACTTTGGGAGGCCAATG-3'